The following is an entry in ClinVar:

ClinVar aggregate classification (germline): Uncertain significance. Review status: criteria provided, single submitter (1 of 4 stars). 2 submissions from 2 submitters: Uncertain significance (1). 1 of the submissions does not count toward it. Last evaluated 2024-11-22.

Conditions:
Choroideremia. Also called: Chorioretinal scalloped atrophy. Identifiers: Orphanet 180, MedGen C0008525, MONDO:0010557, OMIM 303100, HP:0001139.

Allele frequency attached by ClinVar (database versions not stated): gnomAD exomes below 0.00001 and 0.00001.
gnomAD v4.1: 3 of 1,204,923 alleles (0.00025%); highest among the groups gnomAD compares: East Asian, 0.003%; no homozygotes.

Submissions (2):

Labcorp Genetics (formerly Invitae), Labcorp
Classification: Uncertain significance. Last evaluated: 2024-11-22. Review status: criteria provided, single submitter. Criteria: Invitae Variant Classification Sherloc (09022015). Collection method: clinical testing. Allele origin: germline.
Comment: This sequence change replaces glutamine, which is neutral and polar, with arginine, which is basic and polar, at codon 525 of the CHM protein (p.Gln525Arg). The frequency data for this variant in the population databases is considered unreliable, as metrics indicate poor data quality at this position in the gnomAD database. This variant has not been reported in the literature in individuals affected with CHM-related conditions. ClinVar contains an entry for this variant (Variation ID: 1059760). Invitae Evidence Modeling of protein sequence and biophysical properties (such as structural, functional, and spatial information, amino acid conservation, physicochemical variation, residue mobility, and thermodynamic stability) indicates that this missense variant is not expected to disrupt CHM protein function with a negative predictive value of 80%. In summary, the available evidence is currently insufficient to determine the role of this variant in disease. Therefore, it has been classified as a Variant of Uncertain Significance.

Natera, Inc.
Classification: Uncertain significance for Choroideremia. Last evaluated: 2021-01-26. Review status: no assertion criteria provided. Collection method: clinical testing. Allele origin: germline. Not counted in ClinVar's aggregate classification.

NM_000390.4(CHM):c.1574A>G (p.Gln525Arg)

Gene: CHM (CHM Rab escort protein; minus strand). Cytogenetic location: Xq21.2.
Variant type: single nucleotide variant.
Coding change: c.1574A>G on transcript NM_000390.4 (MANE Select); coding-DNA position 1574, A replaced by G.
Protein change: p.Gln525Arg; replaces glutamine 525 with arginine.
Molecular consequence: missense variant.
Genome position (GRCh38, 1-based): chrX:85,879,000, T>C on the plus strand (A>G on the coding strand, the complement: CHM is on the minus strand). VCF-style: chrX-85879000-T-C. GRCh37 (hg19) VCF-style: chrX-85134005-T-C.
Other names: c.1130A>G, p.Gln377Arg (NM_001320959.1, NM_001362517.1, NM_001362518.2 and 1 more transcripts); short protein forms Q377R, Q525R.
Identifiers: ClinVar variation 1059760 (VCV001059760.10), dbSNP rs1309166998, ClinGen allele CA413787559.